The following is an entry in ClinVar:

ClinVar aggregate classification (germline): Uncertain significance. Review status: criteria provided, multiple submitters, no conflicts (2 of 4 stars). 2 submissions from 2 submitters: Uncertain significance (2). Last evaluated 2024-04-04.

Conditions:
Van Maldergem syndrome 2 (VMLDS2). Identifiers: Orphanet 314679, MedGen C3809875, MONDO:0014242, OMIM 615546.
Hennekam lymphangiectasia-lymphedema syndrome 2 (HKLLS2). Identifiers: Orphanet 2136, MedGen C4014939, MONDO:0014454, OMIM 616006.

Allele frequency attached by ClinVar (database versions not stated): gnomAD 0.00001.
gnomAD v4.1: 3 of 1,584,424 alleles (0.00019%); highest among the groups gnomAD compares: Admixed American, 0.0018%; no homozygotes.

Submissions (2):

Fulgent Genetics
Classification: Uncertain significance for Van Maldergem syndrome 2; Hennekam lymphangiectasia-lymphedema syndrome 2. Last evaluated: 2024-04-04. Review status: criteria provided, single submitter. Criteria: ACMG Guidelines, 2015. Collection method: clinical testing. Allele origin: germline.

Labcorp Genetics (formerly Invitae), Labcorp
Classification: Uncertain significance. Last evaluated: 2023-10-05. Review status: criteria provided, single submitter. Criteria: Invitae Variant Classification Sherloc (09022015). Collection method: clinical testing. Allele origin: germline.
Comment: This sequence change replaces serine, which is neutral and polar, with tyrosine, which is neutral and polar, at codon 1858 of the FAT4 protein (p.Ser1858Tyr). This variant is not present in population databases (gnomAD no frequency). This variant has not been reported in the literature in individuals affected with FAT4-related conditions. Advanced modeling of protein sequence and biophysical properties (such as structural, functional, and spatial information, amino acid conservation, physicochemical variation, residue mobility, and thermodynamic stability) performed at Invitae indicates that this missense variant is not expected to disrupt FAT4 protein function. In summary, the available evidence is currently insufficient to determine the role of this variant in disease. Therefore, it has been classified as a Variant of Uncertain Significance.

NM_001291303.3(FAT4):c.5573C>A (p.Ser1858Tyr)

Gene: FAT4 (FAT atypical cadherin 4; plus strand). Cytogenetic location: 4q28.1.
Variant type: single nucleotide variant.
Coding change: c.5573C>A on transcript NM_001291303.3 (MANE Select); coding-DNA position 5573, C replaced by A.
Protein change: p.Ser1858Tyr; replaces serine 1858 with tyrosine.
Molecular consequence: missense variant.
Genome position (GRCh38, 1-based): chr4:125,408,447, C>A. VCF-style: chr4-125408447-C-A. GRCh37 (hg19) VCF-style: chr4-126329602-C-A.
Other names: c.5573C>A, p.Ser1858Tyr (NM_001291285.3, NM_024582.6); c.5573C>A (NM_024582.5); short protein forms S1858Y.
Identifiers: ClinVar variation 2973220 (VCV002973220.4), dbSNP rs749313432, ClinGen allele CA104849265.